The following is an entry in ClinVar:

ClinVar aggregate classification (germline): Uncertain significance (1 of 4 stars; one submission).

Allele frequency attached by ClinVar (database versions not stated): gnomAD exomes below 0.00001; ExAC 0.00001.

Submission:

Labcorp Genetics (formerly Invitae), Labcorp
Classification: Uncertain significance. Last evaluated: 2022-02-15. Review status: criteria provided, single submitter. Criteria: Invitae Variant Classification Sherloc (09022015). Collection method: clinical testing. Allele origin: germline.
Comment: This variant has not been reported in the literature in individuals affected with RUSC2-related conditions. Algorithms developed to predict the effect of sequence changes on RNA splicing suggest that this variant may create or strengthen a splice site. The frequency data for this variant in the population databases is considered unreliable, as metrics indicate poor data quality at this position in the gnomAD database. This sequence change affects codon 1213 of the RUSC2 mRNA. It is a 'silent' change, meaning that it does not change the encoded amino acid sequence of the RUSC2 protein. In summary, the available evidence is currently insufficient to determine the role of this variant in disease. Therefore, it has been classified as a Variant of Uncertain Significance.

NM_014806.5(RUSC2):c.3639C>T (p.Gly1213=)

Gene: RUSC2 (RUN and SH3 domain containing 2; plus strand). Cytogenetic location: 9p13.3.
Variant type: single nucleotide variant.
Coding change: c.3639C>T on transcript NM_014806.5 (MANE Select); coding-DNA position 3639, C replaced by T.
Protein change: p.Gly1213=; no amino-acid change (glycine 1213 retained).
Molecular consequence: synonymous variant. On other transcripts: non-coding transcript variant (1).
Genome position (GRCh38, 1-based): chr9:35,560,279, C>T. VCF-style: chr9-35560279-C-T. GRCh37 (hg19) VCF-style: chr9-35560276-C-T.
Other names: c.3639C>T, p.Gly1213= (NM_001135999.2); c.1005C>T, p.Gly335= (NM_001330740.2).
Identifiers: ClinVar variation 2097779 (VCV002097779.4), dbSNP rs775930181, ClinGen allele CA5044210.